The following is an entry in ClinVar:

ClinVar aggregate classification (germline): Likely benign (1 of 4 stars; one submission).

Submission:

CeGaT Center for Human Genetics Tuebingen
Classification: Likely benign. Last evaluated: 2026-05-01. Review status: criteria provided, single submitter. Criteria: CeGaT Center For Human Genetics Tuebingen Variant Classification Criteria Version 2. Collection method: clinical testing. Allele origin: germline. Affected: yes. Observed: 1 variant allele.
Comment: BCORL1: BS2

NM_001379451.1(BCORL1):c.3152T>C (p.Met1051Thr)

Gene: BCORL1 (BCL6 corepressor like 1; plus strand). Cytogenetic location: Xq26.1.
Variant type: single nucleotide variant.
Coding change: c.3152T>C on transcript NM_001379451.1 (MANE Select); coding-DNA position 3152, T replaced by C.
Protein change: p.Met1051Thr; replaces methionine 1051 with threonine.
Molecular consequence: missense variant.
Genome position (GRCh38, 1-based): chrX:130,015,924, T>C. VCF-style: chrX-130015924-T-C. GRCh37 (hg19) VCF-style: chrX-129149900-T-C.
Other names: c.3152T>C, p.Met1051Thr (NM_001184772.3, NM_001379450.1, NM_001441326.1 and 7 more transcripts); short protein forms M1051T.
Identifiers: ClinVar variation 4872626 (VCV004872626.2).
Genomic context (GRCh38, chrX:130,015,924, plus strand): 5'-GGGGCTCCAGCACAGAGCGCCCACAGCTTGGAAGCCAGGTGGATCTGGGGCGAGTGAAAA[T>C]GGAGAAGGTGGATGGTGATGTGGTCTTCAATTTAGCCACCTGCTTCCGGGCTGATGGCCT-3'
Protein context (NP_001366380.1, residues 1041-1061): GSQVDLGRVK[Met1051Thr]EKVDGDVVFN